The following is an entry in ClinVar:

ClinVar aggregate classification (germline): Likely pathogenic. Review status: criteria provided, multiple submitters, no conflicts (2 of 4 stars). 4 submissions from 4 submitters: Likely pathogenic (4). Last evaluated 2024-05-06.

Conditions:
Autosomal recessive limb-girdle muscular dystrophy type 2J (LGMDR10). Also called: Limb-girdle muscular dystrophy, type 2J; MUSCULAR DYSTROPHY, LIMB-GIRDLE, AUTOSOMAL RECESSIVE 10. Identifiers: Orphanet 140922, MedGen C1837342, MONDO:0012127, OMIM 608807.
Dilated cardiomyopathy 1G (CMD1G). Identifiers: Orphanet 154, MedGen C1858763, MONDO:0011400, OMIM 604145.
Early-onset myopathy with fatal cardiomyopathy (CMYO5). Also called: Salih Myopathy; CONGENITAL MYOPATHY 5 WITH CARDIOMYOPATHY. Identifiers: Orphanet 289377, MedGen C2673677, MONDO:0012714, OMIM 611705. Disease mechanism: loss of function.
Primary dilated cardiomyopathy (DCM). Also called: Dilated Cardiomyopathy. Identifiers: Orphanet 217604, MedGen C0007193, MeSH D002311, MONDO:0005021, HP:0001644. Inheritance: Various modes of inheritance.

Submissions (4):

Labcorp Genetics (formerly Invitae), Labcorp
Classification: Likely pathogenic for Dilated cardiomyopathy 1G; Autosomal recessive limb-girdle muscular dystrophy type 2J. Last evaluated: 2024-05-06. Review status: criteria provided, single submitter. Criteria: Invitae Variant Classification Sherloc (09022015). Collection method: clinical testing. Allele origin: germline.
Comment: This sequence change creates a premature translational stop signal (p.Tyr14789Thrfs*15) in the TTN gene. While this is not anticipated to result in nonsense mediated decay, it is expected to create a truncated TTN protein. This variant is not present in population databases (gnomAD no frequency). This premature translational stop signal has been observed in individual(s) with dilated cardiomyopathy (PMID: 25163546, 31251381). ClinVar contains an entry for this variant (Variation ID: 46976). This variant is located in the I band of TTN (PMID: 25589632). Truncating variants in this region have been reported in individuals affected with autosomal recessive centronuclear myopathy (PMID: 23975875, Invitae internal data). Truncating variants in this region have also been identified in individuals affected with autosomal dominant dilated cardiomyopathy and/or cardio-related conditions (PMID: 27869827, 32964742, Invitae internal data). In summary, the currently available evidence indicates that the variant is pathogenic, but additional data are needed to prove that conclusively. Therefore, this variant has been classified as Likely Pathogenic.

Molecular Genetics, Royal Melbourne Hospital
Classification: Likely pathogenic for Primary dilated cardiomyopathy. Last evaluated: 2023-11-05. Review status: criteria provided, single submitter. Criteria: ACMG Guidelines, 2015. Collection method: clinical testing. Allele origin: germline. Inheritance: Autosomal dominant inheritance. Affected: yes.
Comment: This sequence change in TTN is a frameshift variant predicted to cause a premature stop codon, p.(Tyr14789Thrfs*15), in constitutively expressed exon 240 (percentage splice in, PSI, 100%) in the I-band (proximal to the A-band). High PSI truncating variants in TTN have a significant association with dilated cardiomyopathy (PMID: 31216868). This variant is absent from the population database gnomAD v2.1 and v3.1. This variant has been reported in at least two probands with dilated cardiomyopathy (PMID: 31983221, 36277766). The variant has been reported to segregate with TTN-related myopathy with a second TTN variant in a single family (ClinVar: SCV003922164.1). Based on the classification scheme RMH Modified ACMG/AMP Guidelines v1.6.1, this variant is classified as LIKELY PATHOGENIC. Following criteria are met: PVS1_Strong, PM2_Supporting, PP1, PS4_Supporting.

Broad Center for Mendelian Genomics, Broad Institute of MIT and Harvard
Classification: Likely pathogenic for Early-onset myopathy with fatal cardiomyopathy. Last evaluated: 2023-05-02. Review status: criteria provided, single submitter. Criteria: ACMG Guidelines, 2015. Collection method: curation. Allele origin: germline. Inheritance: Autosomal recessive inheritance.
Comment: The heterozygous p.Tyr14789ThrfsTer15 variant in TTN was identified by our study, in the compound heterozygous state with a variant of uncertain significance (ClinVar Variation ID: 284443), in two siblings with Salih myopathy. Familial exome analysis revealed that this variant was in trans with a variant of uncertain significance (ClinVar Variation ID: 284443). The p.Tyr14789ThrfsTer15 variant in TTN has not been previously reported in individuals with Salih myopathy. This variant was absent from large population studies. This variant has also been reported in ClinVar (Variation ID: 46976) and has been interpreted with conflicting interpretations of pathogenicity. This variant is predicted to cause a frameshift, which alters the protein‚Äôs amino acid sequence beginning at position 14789 and leads to a premature termination codon 15 amino acids downstream. This alteration is then predicted to lead to a truncated or absent protein. Loss of function of the TTN gene is an established disease mechanism in autosomal recessive Salih myopathy. In summary, although additional studies are required to fully establish its clinical significance, this variant is likely pathogenic for Salih myopathy. ACMG/AMP Criteria applied: PVS1, PM2_Supporting (Richards 2015).

Laboratory for Molecular Medicine, Mass General Brigham Personalized Medicine
Classification: Likely pathogenic for Primary dilated cardiomyopathy. Last evaluated: 2012-03-19. Review status: criteria provided, single submitter. Criteria: LMM Criteria. Collection method: clinical testing. Allele origin: germline. Inheritance: Autosomal dominant inheritance. Observed: 2 variant alleles.
Comment: This variant is predic ted to cause a frameshift, which alters the protein's amino acid sequence beginn ing at codon 12221 and leads to a premature stop codon 15 amino acids downstream . This alteration is then predicted to lead to a truncated or absent protein (lo ss of function). Loss-of-function variants in TTN are common in patients with DC M (Herman 2012). In summary, this variant is likely to be pathogenic.

Literature cited by the submitters: PubMed 25163546 (cited by Labcorp Genetics (formerly Invitae), Labcorp); PubMed 31251381 (cited by Labcorp Genetics (formerly Invitae), Labcorp); PubMed 25589632 (cited by Labcorp Genetics (formerly Invitae), Labcorp); PubMed 23975875 (cited by Labcorp Genetics (formerly Invitae), Labcorp); PubMed 27869827 (cited by Labcorp Genetics (formerly Invitae), Labcorp); PubMed 32964742 (cited by Labcorp Genetics (formerly Invitae), Labcorp); PubMed 31216868 (cited by Molecular Genetics, Royal Melbourne Hospital); PubMed 31983221 (cited by Molecular Genetics, Royal Melbourne Hospital); PubMed 36277766 (cited by Molecular Genetics, Royal Melbourne Hospital).

NM_001267550.2(TTN):c.44364del (p.Tyr14789fs)

Gene: TTN (titin; minus strand). Cytogenetic location: 2q31.2.
Variant type: Deletion.
Coding change: c.44364del on transcript NM_001267550.2 (MANE Select); coding-DNA position 44364, one base deleted (C; older notation c.44364delC).
Protein change: p.Tyr14789fs; shifts the reading frame from tyrosine 14789.
Molecular consequence: frameshift variant.
Genome position (GRCh38, 1-based): chr2:178,629,361, G deleted on the plus strand (C on the coding strand, the reverse complement: TTN is on the minus strand); the first of 2 consecutive G bases (chr2:178,629,361-178,629,362); deleting either gives the same sequence. VCF-style (leftmost placement, unchanged base first): chr2-178629360-AG-A. GRCh37 (hg19) VCF-style: chr2-179494087-AG-A.
Other names: NM_001267550.2(TTN):c.44364del; p.Tyr14789fs; c.39441del, p.Tyr13148fs (NM_001256850.1); c.17169del, p.Tyr5724fs (NM_003319.4); c.36660del, p.Tyr12221fs (NM_133378.4); c.17544del, p.Tyr5849fs (NM_133432.3); c.17745del, p.Tyr5916fs (NM_133437.4); c.44364delC (NM_001267550.2); and 1 more; short protein forms Y14789fs, Y13148fs, Y5916fs, Y5849fs, Y12221fs, Y5724fs.
Identifiers: ClinVar variation 46976 (VCV000046976.14), dbSNP rs397517576, ClinGen allele CA261854.
Genomic context (GRCh38, chr2:178,629,360, plus strand): 5'-CCTTATCGCTGGGCTCTAGTTTCTTCCCTTTGAGATACCATTCCACTGGGATATCTTCGT[AG>A]GAGAGCTCGCAGTCGAAGGTGGCTGTTTCCCCTGCAGTCACGGTGACATCCTTTAAAGGC-3'